The following is an entry in ClinVar:

NM_000124.4(ERCC6):c.-22G>A

Genes: ERCC6 (ERCC excision repair 6, chromatin remodeling factor; minus strand), LOC130003806 (ATAC-STARR-seq lymphoblastoid silent region 2363; plus strand). Cytogenetic location: 10q11.23.
Variant type: single nucleotide variant.
Coding change: c.-22G>A on transcript NM_000124.4 (MANE Select); 22 bases upstream of the start codon, G replaced by A.
Molecular consequence: 5 prime UTR variant. On other transcripts: intron variant (1).
Genome position (GRCh38, 1-based): chr10:49,538,969, C>T on the plus strand (G>A on the coding strand, the complement: ERCC6 is on the minus strand). VCF-style: chr10-49538969-C-T. GRCh37 (hg19) VCF-style: chr10-50747015-C-T.
Other names: c.-22G>A (NM_001277058.2); c.-18G>A (NM_001346440.2); c.-15+463G>A (NM_001277059.2).
Identifiers: ClinVar variation 300097 (VCV000300097.7), dbSNP rs4253006, ClinGen allele CA10635886.
Genomic context (GRCh38, chr10:49,538,969, plus strand): 5'-CTGGGCCCCGACACCCCCTGCCCGACATTCGGCCGGGACCCCCGAACACTCACCCAGGGC[C>T]GCGCGAGCGCCCACAAGGAAACAGAGACGCTACCGCCGCCAGCCGCCTTGGAACCCAGCT-3'

ClinVar aggregate classification (germline): Conflicting classifications of pathogenicity. Review status: criteria provided, conflicting classifications (1 of 4 stars). 4 submissions from 2 submitters: Uncertain significance (2); Likely benign (1). 1 of the submissions does not count toward it. Last evaluated 2018-01-12.

Conditions:
ERCC6-related disorder. Also called: ERCC6-related disorders; ERCC6-related condition. Identifiers: MedGen CN239385.
Cerebrooculofacioskeletal syndrome 1 (COFS1). Also called: Cerebro-oculo-facio-skeletal syndrome 1. Identifiers: MedGen C0220722, MONDO:0008955, OMIM 214150.
Age related macular degeneration 5. Identifiers: MedGen C3151063, MONDO:0013409, OMIM 613761.
Cockayne syndrome type 2 (CSB). Also called: Cockayne Syndrome, Type II; COCKAYNE SYNDROME B. Identifiers: Orphanet 191, Orphanet 90322, MedGen C0751038, MONDO:0019570, OMIM 133540.

Allele frequency attached by ClinVar (database versions not stated): TOPMed 0.00167; gnomAD 0.00171 and 0.00181; 1000 Genomes Project 0.00180; 1000 Genomes Project 30x 0.00203.

Submissions (4):

Illumina Laboratory Services, Illumina
Classification: Uncertain significance for Cockayne syndrome type 2. Last evaluated: 2018-01-12. Review status: criteria provided, single submitter. Criteria: ICSL Variant Classification Criteria 13 December 2019. Collection method: clinical testing. Allele origin: germline.

Illumina Laboratory Services, Illumina
Classification: Likely benign for Age related macular degeneration 5. Last evaluated: 2018-01-12. Review status: criteria provided, single submitter. Criteria: ICSL Variant Classification Criteria 13 December 2019. Collection method: clinical testing. Allele origin: germline.
Comment: This variant was observed in the ICSL laboratory as part of a predisposition screen in an ostensibly healthy population. It had not been previously curated by ICSL or reported in the Human Gene Mutation Database (HGMD: prior to June 1st, 2018), and was therefore a candidate for classification through an automated scoring system. Utilizing variant allele frequency, disease prevalence and penetrance estimates, and inheritance mode, an automated score was calculated to assess if this variant is too frequent to cause the disease. Based on the score and internal cut-off values, a variant classified as likely benign is not then subjected to further curation. The score for this variant resulted in a classification of likely benign for this disease.

Illumina Laboratory Services, Illumina
Classification: Uncertain significance for Cerebrooculofacioskeletal syndrome 1. Last evaluated: 2018-01-12. Review status: criteria provided, single submitter. Criteria: ICSL Variant Classification Criteria 13 December 2019. Collection method: clinical testing. Allele origin: germline.

PreventionGenetics, part of Exact Sciences
Classification: Likely benign for ERCC6-related condition. Last evaluated: 2022-05-25. Review status: no assertion criteria provided. Collection method: clinical testing. Allele origin: germline. Not counted in ClinVar's aggregate classification.
Comment: This variant is classified as likely benign based on ACMG/AMP sequence variant interpretation guidelines (Richards et al. 2015 PMID: 25741868, with internal and published modifications).